The following is an entry in ClinVar:

ClinVar aggregate classification (germline): Likely pathogenic (1 of 4 stars; one submission).

Submission:

Labcorp Genetics (formerly Invitae), Labcorp
Classification: Likely pathogenic. Last evaluated: 2022-08-16. Review status: criteria provided, single submitter. Criteria: Invitae Variant Classification Sherloc (09022015). Collection method: clinical testing. Allele origin: germline.
Comment: In summary, the currently available evidence indicates that the variant is pathogenic, but additional data are needed to prove that conclusively. Therefore, this variant has been classified as Likely Pathogenic. Algorithms developed to predict the effect of sequence changes on RNA splicing suggest that this variant may disrupt the consensus splice site. ClinVar contains an entry for this variant (Variation ID: 1349897). This variant has not been reported in the literature in individuals affected with COL11A1-related conditions. This variant is not present in population databases (gnomAD no frequency). This sequence change affects a donor splice site in intron 46 of the COL11A1 gene. It is expected to disrupt RNA splicing. Variants that disrupt the donor or acceptor splice site typically lead to a loss of protein function (PMID: 16199547), and loss-of-function variants in COL11A1 are known to be pathogenic (PMID: 20513134, 21035103, 23922384, 25240749, 32427345, 32756486).

Literature cited by the submitters: PubMed 16199547; PubMed 20513134; PubMed 21035103; PubMed 23922384; PubMed 25240749; PubMed 32427345; PubMed 32756486.

NM_001854.4(COL11A1):c.3600+1G>A

Gene: COL11A1 (collagen type XI alpha 1 chain; minus strand). Cytogenetic location: 1p21.1.
Variant type: single nucleotide variant.
Coding change: c.3600+1G>A on transcript NM_001854.4 (MANE Select); the canonical splice donor site of the intron after coding-DNA position 3600, G replaced by A.
Molecular consequence: splice donor variant.
Genome position (GRCh38, 1-based): chr1:102,934,448, C>T on the plus strand (G>A on the coding strand, the complement: COL11A1 is on the minus strand). VCF-style: chr1-102934448-C-T. GRCh37 (hg19) VCF-style: chr1-103400004-C-T.
Other names: c.3483+1G>A (NM_001190709.2); c.3636+1G>A (NM_080629.3); c.3252+1G>A (NM_080630.4).
Identifiers: ClinVar variation 1349897 (VCV001349897.6), dbSNP rs2101213034, ClinGen allele CA341167268.